The following is an entry in ClinVar:

ClinVar aggregate classification (germline): Pathogenic. Review status: criteria provided, multiple submitters, no conflicts (2 of 4 stars). 2 submissions from 2 submitters: Pathogenic (2). Last evaluated 2023-11-01.

Conditions:
Hypertrophic cardiomyopathy. Also called: HYPERTROPHIC MYOCARDIOPATHY. Identifiers: Orphanet 217569, MedGen C0007194, MeSH D002312, MONDO:0005045, HP:0001639.

Submissions (2):

GeneDx
Classification: Pathogenic. Last evaluated: 2023-11-01. Review status: criteria provided, single submitter. Criteria: GeneDx Variant Classification Process June 2021. Collection method: clinical testing. Allele origin: germline. Affected: yes.
Comment: Has not been previously published as pathogenic or benign to our knowledge; Not observed at significant frequency in large population cohorts (gnomAD); Frameshift variant predicted to result in protein truncation or nonsense mediated decay in a gene for which loss of function is a known mechanism of disease

Labcorp Genetics (formerly Invitae), Labcorp
Classification: Pathogenic for Hypertrophic cardiomyopathy. Last evaluated: 2021-07-13. Review status: criteria provided, single submitter. Criteria: Invitae Variant Classification Sherloc (09022015). Collection method: clinical testing. Allele origin: germline.
Comment: Algorithms developed to predict the effect of sequence changes on RNA splicing suggest that this variant may create or strengthen a splice site. For these reasons, this variant has been classified as Pathogenic. ClinVar contains an entry for this variant (Variation ID: 454318). This variant has not been reported in the literature in individuals affected with MYBPC3-related conditions. This variant is not present in population databases (ExAC no frequency). This sequence change creates a premature translational stop signal (p.Pro892Thrfs*41) in the MYBPC3 gene. It is expected to result in an absent or disrupted protein product. Loss-of-function variants in MYBPC3 are known to be pathogenic (PMID: 19574547).

Literature cited by the submitters: PubMed 19574547 (cited by Labcorp Genetics (formerly Invitae), Labcorp).

NM_000256.3(MYBPC3):c.2648_2673dup (p.Pro892fs)

Gene: MYBPC3 (myosin binding protein C3; minus strand). Cytogenetic location: 11p11.2.
Variant type: Duplication.
Coding change: c.2648_2673dup on transcript NM_000256.3 (MANE Select); coding-DNA positions 2648 to 2673, 26 bases duplicated (ACACCACGGTCTCCCTCAAGTGGCGG).
Protein change: p.Pro892fs; shifts the reading frame from proline 892.
Molecular consequence: frameshift variant.
Genome position (GRCh38, 1-based): chr11:47,335,941-47,335,966, CCGCCACTTGAGGGAGACCGTGGTGT duplicated on the plus strand (ACACCACGGTCTCCCTCAAGTGGCGG on the coding strand, the reverse complement: MYBPC3 is on the minus strand); duplicating any 26 consecutive bases within chr11:47,335,941-47,335,967 gives the same sequence; the c. name uses the placement nearest the transcript's 3' end. VCF-style (leftmost placement, unchanged base first): chr11-47335940-G-GCCGCCACTTGAGGGAGACCGTGGTGT. GRCh37 (hg19) VCF-style: chr11-47357491-G-GCCGCCACTTGAGGGAGACCGTGGTGT.
Other names: c.2648_2673dup26 (NM_000256.3); c.2648_2673dup, p.Pro892fs (LRG_386t1); short protein forms P892fs.
Identifiers: ClinVar variation 454318 (VCV000454318.8), dbSNP rs1555120937, ClinGen allele CA658656133.
Genomic context (GRCh38, chr11:47,335,940, plus strand): 5'-CCTCTGGGCAGTACTCCACGCTGTAGCCATCCAGGCCTCCTGCTCCCACGCGCTCTGGGG[G>GCCGCCACTTGAGGGAGACCGTGGTGT]CCGCCACTTGAGGGAGACCGTGGTGTCAGAGACGTCCTCTACTGCCAGGTGGGTGGGTTC-3'